The following is an entry in ClinVar:

ClinVar aggregate classification (germline): Likely benign (1 of 4 stars; one submission).

Conditions:
CADM3-related condition.

gnomAD v4.1: 111 of 1,613,366 alleles (0.0069%); highest among the groups gnomAD compares: Non-Finnish European, 0.0092%; no homozygotes.

Submission:

PreventionGenetics, part of Exact Sciences
Classification: Likely benign for CADM3-related condition. Last evaluated: 2026-07-14. Review status: criteria provided, single submitter. Criteria: ACMG Guidelines, 2015. Collection method: clinical testing. Allele origin: germline.
Comment: This variant is classified as likely benign based on ACMG/AMP sequence variant interpretation guidelines (Richards et al. 2015 PMID: 25741868, with internal and published modifications).

NM_001127173.3(CADM3):c.1078+10A>G

Genes: CADM3 (cell adhesion molecule 3; plus strand), CADM3-AS1 (CADM3 antisense RNA 1; minus strand). Cytogenetic location: 1q23.2.
Variant type: single nucleotide variant.
Coding change: c.1078+10A>G on transcript NM_001127173.3 (MANE Select); 10 bases into the intron after coding-DNA position 1078, A replaced by G.
Molecular consequence: intron variant.
Genome position (GRCh38, 1-based): chr1:159,199,886, A>G. VCF-style: chr1-159199886-A-G. GRCh37 (hg19) VCF-style: chr1-159169676-A-G.
Other names: c.1180+10A>G (NM_021189.5); c.940+10A>G (NM_001346510.2).
Identifiers: ClinVar variation 4977942 (VCV004977942.1).